The following continues an entry in ClinVar:

NM_000059.4(BRCA2):c.5116_5119del (p.Asn1706fs)

Gene: BRCA2. ClinVar aggregate classification (germline): Pathogenic. Pathogenic (1).

Submissions 11 to 19 of 19:

Women's Health and Genetics/Laboratory Corporation of America, LabCorp
Classification: Pathogenic for Hereditary breast ovarian cancer syndrome. Last evaluated: 2021-07-31. Review status: criteria provided, single submitter. Criteria: LabCorp Variant Classification Summary - May 2015. Collection method: clinical testing. Allele origin: germline. Not counted in ClinVar's aggregate classification.
Comment: Variant summary: BRCA2 c.5116_5119delAATA (p.Asn1706LeufsX5) results in a premature termination codon, predicted to cause a truncation of the encoded protein or absence of the protein due to nonsense mediated decay, which are commonly known mechanisms for disease. Truncations downstream of this position have been classified as pathogenic by our laboratory. The variant allele was found at a frequency of 4.3e-06 in 231774 control chromosomes. c.5116_5119delAATA has been widely reported in the literature in multiple individuals affected with Hereditary Breast And Ovarian Cancer Syndrome (example, Rebbeck_2018). These data indicate that the variant is very likely to be associated with disease. To our knowledge, no experimental evidence demonstrating an impact on protein function has been reported. Multiple clinical diagnostic laboratories, an expert panel (ENIGMA) and a consotrium (CIMBA) have submitted clinical-significance assessments for this variant to ClinVar after 2014. All submitters classified the variant as pathogenic. Based on the evidence outlined above, the variant was classified as pathogenic.

Quest Diagnostics Nichols Institute San Juan Capistrano
Classification: Pathogenic. Last evaluated: 2019-11-11. Review status: criteria provided, single submitter. Criteria: Quest Diagnostics criteria. Collection method: clinical testing. Allele origin: unknown. Not counted in ClinVar's aggregate classification.

Consortium of Investigators of Modifiers of BRCA1/2 (CIMBA), c/o University of Cambridge
Classification: Pathogenic for Breast-ovarian cancer, familial, susceptibility to, 2. Last evaluated: 2015-10-02. Review status: criteria provided, single submitter. Criteria: CIMBA Mutation Classification guidelines May 2016. Collection method: clinical testing. Allele origin: germline. Not counted in ClinVar's aggregate classification.

GeneDx
Classification: Pathogenic for Familial cancer of breast. Last evaluated: 2013-11-01. Review status: criteria provided, single submitter. Criteria: GeneDx Variant Classification (06012015). Collection method: clinical testing. Allele origin: germline. Affected: yes. Not counted in ClinVar's aggregate classification.
Comment: This variant is denoted BRCA2 c.5116_5119delAATA at the cDNA level and p.Asn1706LeufsX5 (N1706LfsX5) at the protein level according to current HGVS nomenclature guidelines and is also known as c.5344_5347delAATA using alternative nomenclature. The surrounding sequence is GAATA{delAATA}CTGC. The deletion causes a frameshift, changing an Asparagine to a Leucine at codon 1706, and creating a premature stop codon at position 5 of the new reading frame. BRCA2 c.5116_5119delAATA is predicted to cause loss of normal protein function through either protein truncation or nonsense-mediated mRNA decay. This deletion has been reported as a pathogenic variant in an individual with early onset breast cancer and another with familial breast and ovarian cancer (Infante 2006), and is indicative of Hereditary Breast and Ovarian Cancer (HBOC) syndrome, an autosomal dominant condition that predisposes to breast and ovarian cancer as well as other cancers. The predominant BRCA2-related cancer risks for women who have not been diagnosed with cancer have been estimated as 41% - 84% lifetime risk for breast cancer and 11% - 27% lifetime risk for ovarian cancer (Ford 1998, Risch 2006). BRCA2 variants have also been reported in women with fallopian tube carcinoma, primary peritoneal carcinoma, and uterine serous carcinoma (Levine 2003, Biron-Shental 2006). Women with BRCA1/2 variants also have an increased risk for contralateral breast cancer. Women with BRCA variants whose first cancer was diagnosed under age 40 have a 21-31% risk to develop a second breast cancer within 10 years and a 63% risk to develop a second breast cancer within 25 years. Women with BRCA variants whose first cancer was diagnosed between ages 40 and 50 have an 11-13% risk to develop a second breast cancer within 10 years and a 44-49% risk within 25 years. Women with BRCA variants whose first cancer was diagnosed after age 50 have an 8% risk to develop a second breast cancer within 10 years and a 20% risk within 25 years (Graeser 2009). Other cancer risks associated with a BRCA2 variant include up to a 7% risk for pancreatic cancer (Ozcelik 1997, The Breast Cancer Linkage Consortium 1999), up to a 34% risk for prostate cancer in male carriers (Thompson 2001), and up to a 7% risk for male breast cancer (Liede 2004). Fanconi Anemia (FA) is a rare autosomal recessive condition that can be caused by two variants (one from each parent) in the BRCA2 gene. This condition is characterized by an increased risk for malignancy in children including leukemia and certain solid tumors as well as physical abnormalities and bone marrow failure. If a BRCA2 variant carrier’s partner is also heterozygous for a BRCA2 variant, the risk to have a child with FA is 25% with each pregnancy. The variant is found in BRCA2 panel(s).

Molecular Oncology, Hospital Universitario Central de Asturias (HUCA)
Classification: Pathogenic for Breast-ovarian cancer, familial, susceptibility to, 2. Last evaluated: 2021-05-24. Review status: no assertion criteria provided. Collection method: case-control. Allele origin: germline. Affected: yes. Not counted in ClinVar's aggregate classification.

Research Molecular Genetics Laboratory, Women's College Hospital, University of Toronto
Classification: Pathogenic for Hereditary breast ovarian cancer syndrome. Last evaluated: 2014-01-31. Review status: no assertion criteria provided. Collection method: research. Allele origin: germline. Affected: yes. Study: The Canadian Open Genetics Repository (COGR). Not counted in ClinVar's aggregate classification.

Sharing Clinical Reports Project (SCRP)
Classification: Pathogenic for Breast-ovarian cancer, familial 2. Last evaluated: 2010-03-29. Review status: no assertion criteria provided. Collection method: clinical testing. Allele origin: germline. Not counted in ClinVar's aggregate classification.

Breast Cancer Information Core (BIC) (BRCA2)
Classification: Pathogenic for Breast-ovarian cancer, familial 2. Last evaluated: 2007-02-14. Review status: no assertion criteria provided. Collection method: clinical testing. Allele origin: germline. Affected: yes. Observed: 2 variant alleles. Not counted in ClinVar's aggregate classification.

Department of Pathology and Laboratory Medicine, Sinai Health System
Classification: Pathogenic for Malignant tumor of breast. Review status: no assertion criteria provided. Collection method: clinical testing. Allele origin: unknown. Affected: yes. Observed: 3 variant alleles. Study: The Canadian Open Genetics Repository (COGR). Not counted in ClinVar's aggregate classification.
Comment: The BRCA2 p.Asn1706LeufsX5 deletion variant was identified in 10 of 2974 proband chromosomes (frequency: 0.003) from individuals or families with breast or ovarian cancer (Blay 2013, Infante 2006, Infante 2010, Jang 2012). The variant was also identified in dbSNP (ID: rs276174853) â€šÃ„ÃºWith pathogenic alleleâ€šÃ„Ã¹, HGMD, UMD (1X as a causal variant), and the BIC database (1X with clinical importance). The p.Asn1706LeufsX5 deletion variant is predicted to cause a frameshift, which alters the protein's amino acid sequence beginning at codon 1706 and leads to a premature stop codon 5 codons downstream. This alteration is then predicted to result in a truncated or absent protein and loss of function. Loss of function variants of the BRCA2 gene are an established mechanism of disease in hereditary breast and ovarian cancer and is the type of variant expected to cause the disorder. In summary, based on the above information, this variant meets our laboratoryâ€šÃ„Ã´s criteria to be classified as pathogenic.

Literature cited by the submitters: PubMed 20104584 (cited by Labcorp Genetics (formerly Invitae), Labcorp); PubMed 16758124 (cited by 3 submitters); PubMed 19949853 (cited by Labcorp Genetics (formerly Invitae), Labcorp); PubMed 21990299 (cited by Labcorp Genetics (formerly Invitae), Labcorp and Color Diagnostics, LLC DBA Color Health); PubMed 22217648 (cited by Labcorp Genetics (formerly Invitae), Labcorp); PubMed 22798144 (cited by 3 submitters); PubMed 23479189 (cited by Labcorp Genetics (formerly Invitae), Labcorp and Color Diagnostics, LLC DBA Color Health); PubMed 23683081 (cited by Labcorp Genetics (formerly Invitae), Labcorp and Color Diagnostics, LLC DBA Color Health); PubMed 24448499 (cited by Labcorp Genetics (formerly Invitae), Labcorp); PubMed 26026974 (cited by 3 submitters); PubMed 22460208 (cited by Ambry Genetics and Color Diagnostics, LLC DBA Color Health); PubMed 25863477 (cited by Ambry Genetics and Color Diagnostics, LLC DBA Color Health); PubMed 22486713 (cited by Color Diagnostics, LLC DBA Color Health); PubMed 27153395 (cited by Color Diagnostics, LLC DBA Color Health); PubMed 32894085 (cited by Color Diagnostics, LLC DBA Color Health); PubMed 29446198 (cited by Women's Health and Genetics/Laboratory Corporation of America, LabCorp); PubMed 38922859 (cited by Molecular Oncology, Hospital Universitario Central de Asturias (HUCA)).